The following is an entry in ClinVar:

NM_002764.4(PRPS1):c.829C>G (p.Gln277Glu)

Gene: PRPS1 (phosphoribosyl pyrophosphate synthetase 1; plus strand). Cytogenetic location: Xq22.3.
Variant type: single nucleotide variant.
Coding change: c.829C>G on transcript NM_002764.4 (MANE Select); coding-DNA position 829, C replaced by G.
Protein change: p.Gln277Glu; replaces glutamine 277 with glutamic acid.
Molecular consequence: missense variant.
Genome position (GRCh38, 1-based): chrX:107,647,730, C>G. VCF-style: chrX-107647730-C-G. GRCh37 (hg19) VCF-style: chrX-106890960-C-G.
Other names: c.217C>G, p.Gln73Glu (NM_001204402.2); short protein forms Q277E, Q73E.
Identifiers: ClinVar variation 1377703 (VCV001377703.6), dbSNP rs2147686093, ClinGen allele CA413814839.

ClinVar aggregate classification (germline): Uncertain significance (1 of 4 stars; one submission).

Conditions:
Charcot-Marie-Tooth Neuropathy X. Identifiers: MedGen CN118851.

Submission:

Labcorp Genetics (formerly Invitae), Labcorp
Classification: Uncertain significance for Charcot-Marie-Tooth Neuropathy X. Last evaluated: 2021-10-22. Review status: criteria provided, single submitter. Criteria: Invitae Variant Classification Sherloc (09022015). Collection method: clinical testing. Allele origin: germline.
Comment: In summary, the available evidence is currently insufficient to determine the role of this variant in disease. Therefore, it has been classified as a Variant of Uncertain Significance. Algorithms developed to predict the effect of missense changes on protein structure and function (SIFT, PolyPhen-2, Align-GVGD) all suggest that this variant is likely to be tolerated. This variant has not been reported in the literature in individuals affected with PRPS1-related conditions. This variant is not present in population databases (ExAC no frequency). This sequence change replaces glutamine with glutamic acid at codon 277 of the PRPS1 protein (p.Gln277Glu). The glutamine residue is highly conserved and there is a small physicochemical difference between glutamine and glutamic acid.